The following is an entry in ClinVar:

ClinVar aggregate classification (germline): Uncertain significance (1 of 4 stars; one submission).

Conditions:
Cardiovascular phenotype. Identifiers: MedGen CN230736.

Submission:

Ambry Genetics
Classification: Uncertain significance for Cardiovascular phenotype. Last evaluated: 2025-08-02. Review status: criteria provided, single submitter. Criteria: Ambry Variant Classification Scheme 2023. Collection method: clinical testing. Allele origin: germline.
Comment: The p.D108V variant (also known as c.323A>T), located in coding exon 3 of the SPRED1 gene, results from an A to T substitution at nucleotide position 323. The aspartic acid at codon 108 is replaced by valine, an amino acid with highly dissimilar properties. This amino acid position is conserved. In addition, this alteration is predicted to be deleterious by in silico analysis. Based on the available evidence, the clinical significance of this variant remains unclear.

NM_152594.3(SPRED1):c.323A>T (p.Asp108Val)

Gene: SPRED1 (sprouty related EVH1 domain containing 1; plus strand). Cytogenetic location: 15q14.
Variant type: single nucleotide variant.
Coding change: c.323A>T on transcript NM_152594.3 (MANE Select); coding-DNA position 323, A replaced by T.
Protein change: p.Asp108Val; replaces aspartic acid 108 with valine.
Molecular consequence: missense variant.
Genome position (GRCh38, 1-based): chr15:38,322,356, A>T. VCF-style: chr15-38322356-A-T. GRCh37 (hg19) VCF-style: chr15-38614557-A-T.
Other names: short protein forms D108V.
Identifiers: ClinVar variation 4174042 (VCV004174042.1).